The following is an entry in ClinVar:

ClinVar aggregate classification (germline): Pathogenic. Review status: criteria provided, multiple submitters, no conflicts (2 of 4 stars). 2 submissions from 2 submitters: Pathogenic (2). Last evaluated 2026-02-25.

Conditions:
Mitochondrial complex II deficiency, nuclear type 1. Also called: SUCCINATE CoQ REDUCTASE DEFICIENCY. Identifiers: Orphanet 3208, MedGen C5700310, MONDO:0100294, OMIM 252011.
Pheochromocytoma/paraganglioma syndrome 5. Also called: Paragangliomas 5; SDHA-Related Hereditary Paraganglioma-Pheochromocytoma Syndrome. Identifiers: Orphanet 29072, MedGen C3279992, MONDO:0013602, OMIM 614165.

Submissions (2):

Myriad Genetics, Inc.
Classification: Pathogenic for Pheochromocytoma/paraganglioma syndrome 5. Last evaluated: 2026-02-25. Review status: criteria provided, single submitter. Criteria: Myriad Autosomal Dominant, Autosomal Recessive and X-Linked Classification Criteria (2023). Collection method: clinical testing. Allele origin: unknown.
Comment: This variant is considered pathogenic. This variant creates a frameshift predicted to result in premature protein truncation.

Labcorp Genetics (formerly Invitae), Labcorp
Classification: Pathogenic for Pheochromocytoma/paraganglioma syndrome 5; Mitochondrial complex II deficiency, nuclear type 1. Last evaluated: 2023-02-01. Review status: criteria provided, single submitter. Criteria: Invitae Variant Classification Sherloc (09022015). Collection method: clinical testing. Allele origin: germline.
Comment: For these reasons, this variant has been classified as Pathogenic. This variant has not been reported in the literature in individuals affected with SDHA-related conditions. This variant is not present in population databases (gnomAD no frequency). This sequence change creates a premature translational stop signal (p.Ala102Glyfs*60) in the SDHA gene. It is expected to result in an absent or disrupted protein product. Loss-of-function variants in SDHA are known to be pathogenic (PMID: 22974104, 24781757).

Literature cited by the submitters: PubMed 22974104 (cited by Labcorp Genetics (formerly Invitae), Labcorp); PubMed 24781757 (cited by Labcorp Genetics (formerly Invitae), Labcorp).

NM_004168.4(SDHA):c.304dup (p.Ala102fs)

Gene: SDHA (succinate dehydrogenase complex flavoprotein subunit A; plus strand). Cytogenetic location: 5p15.33.
Variant type: Duplication.
Coding change: c.304dup on transcript NM_004168.4 (MANE Select); coding-DNA position 304, one base duplicated (G; older notation c.304dupG).
Protein change: p.Ala102fs; shifts the reading frame from alanine 102.
Molecular consequence: frameshift variant.
Genome position (GRCh38, 1-based): chr5:224,513, G duplicated. VCF-style (leftmost placement, unchanged base first): chr5-224512-T-TG. GRCh37 (hg19) VCF-style: chr5-224627-T-TG.
Other names: c.304dup, p.Ala102fs (NM_001294332.2, NM_001330758.2); short protein forms A102fs.
Identifiers: ClinVar variation 2943795 (VCV002943795.4), dbSNP rs2477287321, ClinGen allele CA2740091594.
Genomic context (GRCh38, chr5:224,512, plus strand): 5'-TGAGGCAGGGTTTAATACAGCATGTGTTACCAAGCTGTTTCCTACCAGGTCACACACTGT[T>TG]GCAGCACAGGTAAGAGAAAGGTGCCCCACTGTGCTCCCACTCCGTGCAGGTCCCGCGCAG-3'